The following is an entry in ClinVar:

NM_006158.5(NEFL):c.289C>T (p.Leu97Phe)

Gene: NEFL (neurofilament light chain; minus strand). Cytogenetic location: 8p21.2.
Variant type: single nucleotide variant.
Coding change: c.289C>T on transcript NM_006158.5 (MANE Select); coding-DNA position 289, C replaced by T.
Protein change: p.Leu97Phe; replaces leucine 97 with phenylalanine.
Molecular consequence: missense variant.
Genome position (GRCh38, 1-based): chr8:24,956,227, G>A on the plus strand (C>T on the coding strand, the complement: NEFL is on the minus strand). VCF-style: chr8-24956227-G-A. GRCh37 (hg19) VCF-style: chr8-24813741-G-A.
Other names: short protein forms L97F.
Identifiers: ClinVar variation 155739 (VCV000155739.10), dbSNP rs587777888, ClinGen allele CA233079.

ClinVar aggregate classification (germline): Uncertain significance. Review status: criteria provided, single submitter (1 of 4 stars). 2 submissions from 2 submitters: Uncertain significance (1). 1 of the submissions does not count toward it. Last evaluated 2025-08-06.

Conditions:
Charcot-Marie-Tooth disease type 2E (CMT2E). Also called: CHARCOT-MARIE-TOOTH DISEASE, AXONAL, TYPE 2E; CHARCOT-MARIE-TOOTH NEUROPATHY, TYPE 2E. Identifiers: Orphanet 99939, MedGen C1843225, MONDO:0011894, OMIM 607684.

Submissions (2):

Labcorp Genetics (formerly Invitae), Labcorp
Classification: Uncertain significance for Charcot-Marie-Tooth disease type 2E. Last evaluated: 2025-08-06. Review status: criteria provided, single submitter. Criteria: Invitae Variant Classification Sherloc (09022015). Collection method: clinical testing. Allele origin: germline.
Comment: This sequence change replaces leucine, which is neutral and non-polar, with phenylalanine, which is neutral and non-polar, at codon 97 of the NEFL protein (p.Leu97Phe). This variant is not present in population databases (gnomAD no frequency). This variant has not been reported in the literature in individuals affected with NEFL-related conditions. ClinVar contains an entry for this variant (Variation ID: 155739). Invitae Evidence Modeling of protein sequence and biophysical properties (such as structural, functional, and spatial information, amino acid conservation, physicochemical variation, residue mobility, and thermodynamic stability) indicates that this missense variant is expected to disrupt NEFL protein function with a positive predictive value of 80%. In summary, the available evidence is currently insufficient to determine the role of this variant in disease. Therefore, it has been classified as a Variant of Uncertain Significance.

Northcott Neuroscience Laboratory, ANZAC Research Institute
Classification: Benign. Review status: no assertion criteria provided. Collection method: not provided. Allele origin: unknown. Not counted in ClinVar's aggregate classification.
Comment: CMT2
ClinVar note: Converted during submission from non-pathogenic to Benign.